The following is an entry in ClinVar:

ClinVar aggregate classification (germline): Uncertain significance. Review status: criteria provided, multiple submitters, no conflicts (2 of 4 stars). 2 submissions from 2 submitters: Uncertain significance (2). Last evaluated 2026-04-28.

Allele frequency attached by ClinVar (database versions not stated): gnomAD exomes 0.00044; 1000 Genomes Project 0.00040; 1000 Genomes Project 30x 0.00047; ESP Exome Variant Server 0.00059; ExAC 0.00022; TOPMed 0.00042; gnomAD 0.00046.
gnomAD v4.1: 715 of 1,612,436 alleles (0.044%); highest among the groups gnomAD compares: Admixed American, 0.072%; no homozygotes.

Submissions (2):

GeneDx
Classification: Uncertain significance. Last evaluated: 2026-04-28. Review status: criteria provided, single submitter. Criteria: GeneDx Variant Classification Process June 2021. Collection method: clinical testing. Allele origin: germline.
Comment: In silico analysis supports that this missense variant has a deleterious effect on protein structure/function; Has not been previously published as pathogenic or benign to our knowledge

Labcorp Genetics (formerly Invitae), Labcorp
Classification: Uncertain significance. Last evaluated: 2022-06-29. Review status: criteria provided, single submitter. Criteria: Invitae Variant Classification Sherloc (09022015). Collection method: clinical testing. Allele origin: germline.
Comment: This sequence change replaces threonine, which is neutral and polar, with alanine, which is neutral and non-polar, at codon 667 of the VARS2 protein (p.Thr667Ala). This variant is present in population databases (rs144628280, gnomAD 0.05%). This variant has not been reported in the literature in individuals affected with VARS2-related conditions. Algorithms developed to predict the effect of missense changes on protein structure and function are either unavailable or do not agree on the potential impact of this missense change (SIFT: "Tolerated"; PolyPhen-2: "Probably Damaging"; Align-GVGD: "Class C0"). In summary, the available evidence is currently insufficient to determine the role of this variant in disease. Therefore, it has been classified as a Variant of Uncertain Significance.

NM_020442.6(VARS2):c.1909A>G (p.Thr637Ala)

Genes: VARS2 (valyl-tRNA synthetase 2, mitochondrial; plus strand), LOC126859646 (MED14-independent group 3 enhancer GRCh37_chr6:30889690-30890889; plus strand). Cytogenetic location: 6p21.33.
Variant type: single nucleotide variant.
Coding change: c.1909A>G on transcript NM_020442.6 (MANE Select); coding-DNA position 1909, A replaced by G.
Protein change: p.Thr637Ala; replaces threonine 637 with alanine.
Molecular consequence: missense variant.
Genome position (GRCh38, 1-based): chr6:30,922,218, A>G. VCF-style: chr6-30922218-A-G. GRCh37 (hg19) VCF-style: chr6-30889995-A-G.
Other names: c.1999A>G (NM_001167734.1); c.1489A>G, p.Thr497Ala (NM_001167733.3); c.1999A>G, p.Thr667Ala (NM_001167734.2); short protein forms T667A, T497A, T637A.
Identifiers: ClinVar variation 2056277 (VCV002056277.3), dbSNP rs144628280, ClinGen allele CA3706073.
Genomic context (GRCh38, chr6:30,922,218, plus strand): 5'-ACGGGCAGCGACCTTCTGCTGTTCTGGGTGGGCCGCATGGTCATGTTGGGGACCCAGCTC[A>G]CAGGGCAGCTGCCCTTCAGCAAGGTAAGAGCCCTTCAGTGCCCTGCCGCTTTCTGTGACT-3'
Protein context (NP_065175.4, residues 627-647): GRMVMLGTQL[Thr637Ala]GQLPFSKVLL